The following is an entry in ClinVar:

ClinVar aggregate classification (germline): Uncertain significance (1 of 4 stars; one submission).

Conditions:
Cowden syndrome 6 (CWS6). Identifiers: Orphanet 201, MedGen C3554519, MONDO:0014048, OMIM 615109.

Submission:

Labcorp Genetics (formerly Invitae), Labcorp
Classification: Uncertain significance for Cowden syndrome 6. Last evaluated: 2019-09-08. Review status: criteria provided, single submitter. Criteria: Invitae Variant Classification Sherloc (09022015). Collection method: clinical testing. Allele origin: germline.
Comment: This variant is not present in population databases (ExAC no frequency). This sequence change falls in intron 2 of the AKT1 gene. It does not directly change the encoded amino acid sequence of the AKT1 protein, but it affects a nucleotide within the consensus splice site of the intron. This variant has not been reported in the literature in individuals with AKT1-related conditions. Nucleotide substitutions within the consensus splice site are a relatively common cause of aberrant splicing (PMID: 17576681, 9536098). Algorithms developed to predict the effect of sequence changes on RNA splicing suggest that this variant is not likely to affect RNA splicing, but this prediction has not been confirmed by published transcriptional studies. In summary, the available evidence is currently insufficient to determine the role of this variant in disease. Therefore, it has been classified as a Variant of Uncertain Significance.

Literature cited by the submitters: PubMed 17576681; PubMed 9536098.

NM_001382430.1(AKT1):c.47-4_47-3del

Gene: AKT1 (AKT serine/threonine kinase 1; minus strand). Cytogenetic location: 14q32.33.
Variant type: Deletion.
Coding change: c.47-4_47-3del on transcript NM_001382430.1 (MANE Select); 4 bases into the intron before coding-DNA position 47 through 3 bases into the intron before coding-DNA position 47, 2 bases deleted (GT; older notation c.47-4_47-3delGT).
Molecular consequence: intron variant.
Genome position (GRCh38, 1-based): chr14:104,780,219-104,780,220, AC deleted on the plus strand (GT on the coding strand, the reverse complement: AKT1 is on the minus strand); deleting any 2 consecutive bases within chr14:104,780,219-104,780,221 gives the same sequence; the c. name uses the placement nearest the transcript's 3' end. VCF-style (leftmost placement, unchanged base first): chr14-104780218-TAC-T. GRCh37 (hg19) VCF-style: chr14-105246555-TAC-T.
Other names: c.47-4_47-3del (NM_001014431.2, NM_001014432.2, NM_001382433.1 and 3 more transcripts).
Identifiers: ClinVar variation 934435 (VCV000934435.7), dbSNP rs1892956019, ClinGen allele CA1139663770.
Genomic context (GRCh38, chr14:104,780,218, plus strand): 5'-GAAGGTGCCATCATTCTTGAGGAGGAAGTAGCGTGGCCGCCAGGTCTTGATGTACTCCCC[TAC>T]AGACGTGCGGGTGGTGAGAGCCACGCACACTCTACCCGTCAGACCCTCGCCAGGCAGCCA-3'